The following is an entry in ClinVar:

NM_003924.4(PHOX2B):c.668C>G (p.Ala223Gly)

Gene: PHOX2B (paired like homeobox 2B; minus strand). Cytogenetic location: 4p13.
Variant type: single nucleotide variant.
Coding change: c.668C>G on transcript NM_003924.4 (MANE Select); coding-DNA position 668, C replaced by G.
Protein change: p.Ala223Gly; replaces alanine 223 with glycine.
Molecular consequence: missense variant.
Genome position (GRCh38, 1-based): chr4:41,746,084, G>C on the plus strand (C>G on the coding strand, the complement: PHOX2B is on the minus strand). VCF-style: chr4-41746084-G-C. GRCh37 (hg19) VCF-style: chr4-41748101-G-C.
Other names: short protein forms A223G.
Identifiers: ClinVar variation 4665973 (VCV004665973.1).
Genomic context (GRCh38, chr4:41,746,084, plus strand): 5'-GCTGCTGCGCCGCCCTTGCCGGGTTCGCCTCCCGGGCCCCCGGGCCCCGCCGCCCCCGGA[G>C]CTCCAGCCGGGCTGGGCCCGCCGCCGCCGCCTCCATTCGCCCCGCAGCTGGGGGTGGGGT-3'
Protein context (NP_003915.2, residues 213-233): GGGGGPSPAG[Ala223Gly]PGAAGPGGPG

ClinVar aggregate classification (germline): Uncertain significance (1 of 4 stars; one submission).

Conditions:
Hereditary cancer-predisposing syndrome. Also called: Neoplastic Syndromes, Hereditary; Tumor predisposition; Hereditary Cancer Syndrome; Hereditary neoplastic syndrome. Identifiers: Orphanet 140162, MedGen C0027672, MeSH D009386, MONDO:0015356.

Submission:

Ambry Genetics
Classification: Uncertain significance for Hereditary cancer-predisposing syndrome. Last evaluated: 2025-10-16. Review status: criteria provided, single submitter. Criteria: Ambry Variant Classification Scheme 2023. Collection method: clinical testing. Allele origin: germline.
Comment: The p.A223G variant (also known as c.668C>G), located in coding exon 3 of the PHOX2B gene, results from a C to G substitution at nucleotide position 668. The alanine at codon 223 is replaced by glycine, an amino acid with similar properties. This amino acid position is conserved. In addition, this alteration is predicted to be tolerated by in silico analysis. Based on the available evidence, the clinical significance of this variant remains unclear.